The following is an entry in ClinVar:

ClinVar aggregate classification (germline): Uncertain significance (1 of 4 stars; one submission).

Conditions:
Fanconi anemia (FA). Also called: Fanconi's anemia. Identifiers: Orphanet 84, MedGen C0015625, MeSH D005199, MONDO:0019391.

Submission:

Labcorp Genetics (formerly Invitae), Labcorp
Classification: Uncertain significance for Fanconi anemia. Last evaluated: 2021-09-14. Review status: criteria provided, single submitter. Criteria: Invitae Variant Classification Sherloc (09022015). Collection method: clinical testing. Allele origin: germline.
Comment: Algorithms developed to predict the effect of missense changes on protein structure and function (SIFT, PolyPhen-2, Align-GVGD) all suggest that this variant is likely to be tolerated. This variant has not been reported in the literature in individuals affected with FANCI-related conditions. This variant is not present in population databases (ExAC no frequency). This sequence change replaces methionine with threonine at codon 1169 of the FANCI protein (p.Met1169Thr). The methionine residue is weakly conserved and there is a moderate physicochemical difference between methionine and threonine. In summary, the available evidence is currently insufficient to determine the role of this variant in disease. Therefore, it has been classified as a Variant of Uncertain Significance.

NM_001113378.2(FANCI):c.3506T>C (p.Met1169Thr)

Gene: FANCI (FA complementation group I; plus strand). Cytogenetic location: 15q26.1.
Variant type: single nucleotide variant.
Coding change: c.3506T>C on transcript NM_001113378.2 (MANE Select); coding-DNA position 3506, T replaced by C.
Protein change: p.Met1169Thr; replaces methionine 1169 with threonine.
Molecular consequence: missense variant.
Genome position (GRCh38, 1-based): chr15:89,306,163, T>C. VCF-style: chr15-89306163-T-C. GRCh37 (hg19) VCF-style: chr15-89849394-T-C.
Other names: c.3227T>C, p.Met1076Thr (NM_001376910.1); c.3506T>C, p.Met1169Thr (NM_001376911.1); c.3326T>C, p.Met1109Thr (NM_018193.3); short protein forms M1076T, M1109T, M1169T.
Identifiers: ClinVar variation 1376695 (VCV001376695.6), dbSNP rs2151924528, ClinGen allele CA393740668.